The following is an entry in ClinVar:

ClinVar aggregate classification (germline): Uncertain significance (1 of 4 stars; one submission).

Conditions:
Hereditary cancer-predisposing syndrome. Also called: Neoplastic Syndromes, Hereditary; Tumor predisposition; Hereditary neoplastic syndrome; Hereditary Cancer Syndrome. Identifiers: Orphanet 140162, MedGen C0027672, MeSH D009386, MONDO:0015356.

Submission:

Ambry Genetics
Classification: Uncertain significance for Hereditary cancer-predisposing syndrome. Last evaluated: 2026-08-21. Review status: criteria provided, single submitter. Criteria: Ambry Variant Classification Scheme 2023. Collection method: clinical testing. Allele origin: germline.
Comment: The p.A314S variant (also known as c.940G>T), located in coding exon 7 of the FH gene, results from a G to T substitution at nucleotide position 940. The alanine at codon 314 is replaced by serine, an amino acid with similar properties. This amino acid position is conserved. In addition, the in silico prediction for this alteration is inconclusive. Based on the available evidence, the clinical significance of this variant remains unclear.

NM_000143.4(FH):c.940G>T (p.Ala314Ser)

Gene: FH (fumarate hydratase; minus strand). Cytogenetic location: 1q43.
Variant type: single nucleotide variant.
Coding change: c.940G>T on transcript NM_000143.4 (MANE Select); coding-DNA position 940, G replaced by T.
Protein change: p.Ala314Ser; replaces alanine 314 with serine.
Molecular consequence: missense variant.
Genome position (GRCh38, 1-based): chr1:241,504,210, C>A on the plus strand (G>T on the coding strand, the complement: FH is on the minus strand). VCF-style: chr1-241504210-C-A. GRCh37 (hg19) VCF-style: chr1-241667510-C-A.
Other names: short protein forms A314S.
Identifiers: ClinVar variation 5021784 (VCV005021784.1).
Genomic context (GRCh38, chr1:241,504,210, plus strand): 5'-TGCAGGCAGTAGTGTTCATGGCTCCACTGAGCTCAACCAGAGCGTCATGAGCAGCCAGAG[C>A]TTCAAATTTATTCGGAGCAGTGACAAAAGGCAAGCCTAAAGAAAAGAAAAATATCCTAGA-3'
Protein context (NP_000134.2, residues 304-324): PFVTAPNKFE[Ala314Ser]LAAHDALVEL